The following is an entry in ClinVar:

NM_000112.4(SLC26A2):c.2088_2089delinsGT (p.Asn696_Gly697delinsLysTer)

Gene: SLC26A2 (solute carrier family 26 member 2; plus strand). Cytogenetic location: 5q32.
Variant type: Indel.
Coding change: c.2088_2089delinsGT on transcript NM_000112.4 (MANE Select); coding-DNA positions 2088 to 2089, CG replaced by GT.
Protein change: p.Asn696_Gly697delinsLysTer.
Molecular consequence: nonsense.
Genome position (GRCh38, 1-based): chr5:149,981,681-149,981,682, CG replaced by GT. VCF-style: chr5-149981681-CG-GT. GRCh37 (hg19) VCF-style: chr5-149361244-CG-GT.
Identifiers: ClinVar variation 2924534 (VCV002924534.3), dbSNP rs2480778050, ClinGen allele CA2740094152.

ClinVar aggregate classification (germline): Pathogenic (1 of 4 stars; one submission).

Conditions:
Diastrophic dysplasia (DTD). Also called: Diastrophic dwarfism. Identifiers: Orphanet 628, MedGen C0220726, MONDO:0009107, OMIM 222600.
Multiple epiphyseal dysplasia type 4 (EDM4). Also called: Multiple Epiphyseal Dysplasia, Recessive; MULTIPLE EPIPHYSEAL DYSPLASIA WITH BILAYERED PATELLAE; MULTIPLE EPIPHYSEAL DYSPLASIA WITH CLUBFOOT; MULTIPLE EPIPHYSEAL DYSPLASIA, AUTOSOMAL RECESSIVE; SLC26A2-Related Multiple Epiphyseal Dysplasia. Identifiers: Orphanet 93307, MedGen C1847593, MONDO:0009189, OMIM 226900.
Achondrogenesis, type IB (ACG1B). Also called: Achondrogenesis Type 1B. Identifiers: Orphanet 932, Orphanet 93298, MedGen C0265274, MONDO:0010966, OMIM 600972.
Atelosteogenesis type II (AO2). Also called: SLC26A2-Related Atelosteogenesis; NEONATAL OSSEOUS DYSPLASIA I; Neonatal osseous dysplasia 1. Identifiers: Orphanet 56304, MedGen C1850554, MONDO:0009727, OMIM 256050.

Submission:

Labcorp Genetics (formerly Invitae), Labcorp
Classification: Pathogenic for Atelosteogenesis type II; Multiple epiphyseal dysplasia type 4; Achondrogenesis, type IB; Diastrophic dysplasia. Last evaluated: 2025-03-18. Review status: criteria provided, single submitter. Criteria: Invitae Variant Classification Sherloc (09022015). Collection method: clinical testing. Allele origin: germline.
Comment: This sequence change creates a premature translational stop signal (p.Asn696_Gly697delinsLys*) in the SLC26A2 gene. While this is not anticipated to result in nonsense mediated decay, it is expected to disrupt the last 44 amino acid(s) of the SLC26A2 protein. Information on the frequency of this variant in the gnomAD database is not available, as this variant may be reported differently in the database. This variant has not been reported in the literature in individuals affected with SLC26A2-related conditions. ClinVar contains an entry for this variant (Variation ID: 2924534). This variant disrupts a region of the SLC26A2 protein in which other variant(s) (p.Ala715Val) have been determined to be pathogenic (PMID: 11448940, 15294877, 21077204). This suggests that this is a clinically significant region of the protein, and that variants that disrupt it are likely to be disease-causing. For these reasons, this variant has been classified as Pathogenic.

Literature cited by the submitters: PubMed 11448940; PubMed 15294877; PubMed 21077204.